The following is an entry in ClinVar:

NM_001367624.2(ZNF469):c.660G>C (p.Gln220His)

Gene: ZNF469 (zinc finger protein 469; plus strand). Cytogenetic location: 16q24.2.
Variant type: single nucleotide variant.
Coding change: c.660G>C on transcript NM_001367624.2 (MANE Select); coding-DNA position 660, G replaced by C.
Protein change: p.Gln220His; replaces glutamine 220 with histidine.
Molecular consequence: missense variant.
Genome position (GRCh38, 1-based): chr16:88,428,130, G>C. VCF-style: chr16-88428130-G-C. GRCh37 (hg19) VCF-style: chr16-88494538-G-C.
Other names: NM_001127464.1:c.660G>C; short protein forms Q220H.
Identifiers: ClinVar variation 1470393 (VCV001470393.7), dbSNP rs965207266, ClinGen allele CA286371811.

ClinVar aggregate classification (germline): Uncertain significance. Review status: criteria provided, multiple submitters, no conflicts (2 of 4 stars). 2 submissions from 2 submitters: Uncertain significance (2). Last evaluated 2025-05-24.

Conditions:
Cardiovascular phenotype. Identifiers: MedGen CN230736.

Allele frequency attached by ClinVar (database versions not stated): gnomAD 0.00002.
gnomAD v4.1: 39 of 1,549,902 alleles (0.0025%); highest among the groups gnomAD compares: Non-Finnish European, 0.0031%; no homozygotes.

Submissions (2):

Ambry Genetics
Classification: Uncertain significance for Cardiovascular phenotype. Last evaluated: 2025-05-24. Review status: criteria provided, single submitter. Criteria: Ambry Variant Classification Scheme 2023. Collection method: clinical testing. Allele origin: germline.
Comment: The p.Q220H variant (also known as c.660G>C), located in coding exon 1 of the ZNF469 gene, results from a G to C substitution at nucleotide position 660. The glutamine at codon 220 is replaced by histidine, an amino acid with highly similar properties. This amino acid position is conserved. In addition, this alteration is predicted to be tolerated by in silico analysis. Since supporting evidence is limited at this time, the clinical significance of this alteration remains unclear.

Labcorp Genetics (formerly Invitae), Labcorp
Classification: Uncertain significance. Last evaluated: 2022-06-13. Review status: criteria provided, single submitter. Criteria: Invitae Variant Classification Sherloc (09022015). Collection method: clinical testing. Allele origin: germline.
Comment: This sequence change replaces glutamine, which is neutral and polar, with histidine, which is basic and polar, at codon 220 of the ZNF469 protein (p.Gln220His). This variant is present in population databases (no rsID available, gnomAD 0.007%). This variant has not been reported in the literature in individuals affected with ZNF469-related conditions. Algorithms developed to predict the effect of missense changes on protein structure and function (SIFT, PolyPhen-2, Align-GVGD) all suggest that this variant is likely to be tolerated. In summary, the available evidence is currently insufficient to determine the role of this variant in disease. Therefore, it has been classified as a Variant of Uncertain Significance.